The following is an entry in ClinVar:

NM_005475.3(SH2B3):c.266A>G (p.Tyr89Cys)

Gene: SH2B3 (SH2B adaptor protein 3; plus strand). Cytogenetic location: 12q24.12.
Variant type: single nucleotide variant.
Coding change: c.266A>G on transcript NM_005475.3 (MANE Select); coding-DNA position 266, A replaced by G.
Protein change: p.Tyr89Cys; replaces tyrosine 89 with cysteine.
Molecular consequence: missense variant.
Genome position (GRCh38, 1-based): chr12:111,418,411, A>G. VCF-style: chr12-111418411-A-G. GRCh37 (hg19) VCF-style: chr12-111856215-A-G.
Other names: short protein forms Y89C.
Identifiers: ClinVar variation 3440750 (VCV003440750.1).

ClinVar aggregate classification (germline): Uncertain significance (1 of 4 stars; one submission).

Conditions:
Inborn genetic diseases. Identifiers: MedGen C0950123, MeSH D030342.

Submission:

Ambry Genetics
Classification: Uncertain significance for Inborn genetic diseases. Last evaluated: 2024-11-21. Review status: criteria provided, single submitter. Criteria: Ambry Variant Classification Scheme 2023. Collection method: clinical testing. Allele origin: germline.
Comment: The p.Y89C variant (also known as c.266A>G), located in coding exon 1 of the SH2B3 gene, results from an A to G substitution at nucleotide position 266. The tyrosine at codon 89 is replaced by cysteine, an amino acid with highly dissimilar properties. This amino acid position is conserved. In addition, this alteration is predicted to be tolerated by in silico analysis. Based on the available evidence, the clinical significance of this variant remains unclear.